The following is an entry in ClinVar:

ClinVar aggregate classification (germline): Uncertain significance (1 of 4 stars; one submission).

gnomAD v4.1: 1 of 1,614,118 alleles (0.000062%); no homozygotes.

Submission:

Women's Health and Genetics/Laboratory Corporation of America, LabCorp
Classification: Uncertain significance. Last evaluated: 2026-03-16. Review status: criteria provided, single submitter. Criteria: LabCorp Variant Classification Summary - May 2015. Collection method: clinical testing. Allele origin: germline.
Comment: Variant summary: SPTBN1 c.3565-3A>C alters a conserved nucleotide located close to a canonical splice site and therefore could affect mRNA splicing, leading to a significantly altered protein sequence. Consensus agreement among computation tools predict no significant impact on normal splicing. However, these predictions have yet to be confirmed by functional studies. The variant was absent in 251358 control chromosomes. The available data on variant occurrences in the general population are insufficient to allow any conclusion about variant significance. To our knowledge, no occurrence of c.3565-3A>C in individuals affected with SPTBN1-related conditions and no experimental evidence demonstrating its impact on protein function have been reported. No submitters have cited clinical-significance assessments for this variant to ClinVar. Based on the evidence outlined above, the variant was classified as uncertain significance.

NM_003128.3(SPTBN1):c.3565-3A>C

Gene: SPTBN1 (spectrin beta, non-erythrocytic 1; plus strand). Cytogenetic location: 2p16.2.
Variant type: single nucleotide variant.
Coding change: c.3565-3A>C on transcript NM_003128.3 (MANE Select); 3 bases into the intron before coding-DNA position 3565, A replaced by C.
Molecular consequence: intron variant.
Genome position (GRCh38, 1-based): chr2:54,632,563, A>C. VCF-style: chr2-54632563-A-C. GRCh37 (hg19) VCF-style: chr2-54859700-A-C.
Other names: c.3526-3A>C (NM_178313.3).
Identifiers: ClinVar variation 4847217 (VCV004847217.1).